The following is an entry in ClinVar:

ClinVar aggregate classification (germline): Benign/Likely benign. Review status: criteria provided, multiple submitters, no conflicts (2 of 4 stars). 3 submissions from 3 submitters: Benign (1); Likely benign (2). Last evaluated 2026-07-28.

Conditions:
Hereditary pheochromocytoma and paraganglioma. Also called: Hereditary Paraganglioma-Pheochromocytoma Syndromes; Hereditary paragangliomas and pheochromocytomas; Hereditary pheochromocytoma-paraganglioma. Identifiers: Orphanet 29072, MedGen C4274332, MONDO:0017366.
Hereditary cancer-predisposing syndrome. Also called: Hereditary Cancer Syndrome; Hereditary neoplastic syndrome; Neoplastic Syndromes, Hereditary; Tumor predisposition. Identifiers: Orphanet 140162, MedGen C0027672, MeSH D009386, MONDO:0015356.

Submissions (3):

Myriad Genetics, Inc.
Classification: Benign for Hereditary pheochromocytoma and paraganglioma. Last evaluated: 2026-07-28. Review status: criteria provided, single submitter. Criteria: Myriad Autosomal Dominant, Autosomal Recessive and X-Linked Classification Criteria (2023). Collection method: clinical testing. Allele origin: unknown.
Comment: This variant is considered benign. This variant is a silent/synonymous amino acid change and it is not expected to impact splicing.

Labcorp Genetics (formerly Invitae), Labcorp
Classification: Likely benign for Hereditary pheochromocytoma and paraganglioma. Last evaluated: 2024-06-03. Review status: criteria provided, single submitter. Criteria: Invitae Variant Classification Sherloc (09022015). Collection method: clinical testing. Allele origin: germline.

Ambry Genetics
Classification: Likely benign for Hereditary cancer-predisposing syndrome. Last evaluated: 2020-06-17. Review status: criteria provided, single submitter. Criteria: Ambry Variant Classification Scheme 2023. Collection method: clinical testing. Allele origin: germline.

NM_017849.4(TMEM127):c.39C>A (p.Arg13=)

Genes: TMEM127 (transmembrane protein 127; minus strand), LOC129934333 (ATAC-STARR-seq lymphoblastoid silent region 11759; plus strand). Cytogenetic location: 2q11.2.
Variant type: single nucleotide variant.
Coding change: c.39C>A on transcript NM_017849.4 (MANE Select); coding-DNA position 39, C replaced by A.
Protein change: p.Arg13=; no amino-acid change (arginine 13 retained).
Molecular consequence: synonymous variant.
Genome position (GRCh38, 1-based): chr2:96,265,343, G>T on the plus strand (C>A on the coding strand, the complement: TMEM127 is on the minus strand). VCF-style: chr2-96265343-G-T. GRCh37 (hg19) VCF-style: chr2-96931081-G-T.
Other names: c.39C>A, p.Arg13= (NM_001193304.3).
Identifiers: ClinVar variation 413242 (VCV000413242.12), dbSNP rs1060503975, ClinGen allele CA16611136.